The following is an entry in ClinVar:

NM_001165963.4(SCN1A):c.5621G>A (p.Arg1874Gln)

Genes: SCN1A (sodium voltage-gated channel alpha subunit 1; minus strand), LOC102724058 (uncharacterized LOC102724058; plus strand). Cytogenetic location: 2q24.3.
Variant type: single nucleotide variant.
Coding change: c.5621G>A on transcript NM_001165963.4 (MANE Select); coding-DNA position 5621, G replaced by A.
Protein change: p.Arg1874Gln; replaces arginine 1874 with glutamine.
Molecular consequence: missense variant. On other transcripts: non-coding transcript variant (1).
Genome position (GRCh38, 1-based): chr2:165,991,654, C>T on the plus strand (G>A on the coding strand, the complement: SCN1A is on the minus strand). VCF-style: chr2-165991654-C-T. GRCh37 (hg19) VCF-style: chr2-166848164-C-T.
Other names: c.5537G>A, p.Arg1846Gln (NM_001165964.3, NM_001353957.2, NM_001353958.2); c.5621G>A, p.Arg1874Gln (NM_001202435.3, NM_001353948.2); c.5588G>A, p.Arg1863Gln (NM_001353949.2, NM_001353950.2, NM_001353951.2 and 2 more transcripts); c.5585G>A, p.Arg1862Gln (NM_001353954.2, NM_001353955.2); c.5534G>A, p.Arg1845Gln (NM_001353960.2); c.3179G>A, p.Arg1060Gln (NM_001353961.2); short protein forms R1863Q, R1874Q, R1846Q, R1845Q, R1060Q, R1862Q.
Identifiers: ClinVar variation 408927 (VCV000408927.14), dbSNP rs1060502186, ClinGen allele CA16610230.

ClinVar aggregate classification (germline): Conflicting classifications of pathogenicity. Review status: criteria provided, conflicting classifications (1 of 4 stars). 3 submissions from 3 submitters: Likely pathogenic (1); Uncertain significance (2). Last evaluated 2026-01-21.

Conditions:
Inborn genetic diseases. Identifiers: MedGen C0950123, MeSH D030342.
Early-infantile DEE. Also called: Early infantile epileptic encephalopathy; Ohtahara syndrome; Early infantile epileptic encephalopathy with suppression bursts. Identifiers: Orphanet 1934, MedGen C0393706, MONDO:0800491.

Allele frequency attached by ClinVar (database versions not stated): gnomAD 0.00001; gnomAD exomes below 0.00001.

Submissions (3):

Ambry Genetics
Classification: Uncertain significance for Inborn genetic diseases. Last evaluated: 2026-01-21. Review status: criteria provided, single submitter. Criteria: Ambry Variant Classification Scheme 2023. Collection method: clinical testing. Allele origin: germline.
Comment: The c.5621G>A (p.R1874Q) alteration is located in exon 26 (coding exon 26) of the SCN1A gene. This alteration results from a G to A substitution at nucleotide position 5621, causing the arginine (R) at amino acid position 1874 to be replaced by a glutamine (Q). This variant was not reported in population-based cohorts in the Genome Aggregation Database (gnomAD). This variant was reported in individual(s) with features consistent with SCN1A-related seizure disorders (Shibata, 2020; external communication). This amino acid position is highly conserved in available vertebrate species. This alteration is predicted to be deleterious by in silico analysis. Based on insufficient or conflicting evidence, the clinical significance of this alteration remains unclear.

Labcorp Genetics (formerly Invitae), Labcorp
Classification: Likely pathogenic for Early-infantile DEE. Last evaluated: 2025-11-05. Review status: criteria provided, single submitter. Criteria: Invitae Variant Classification Sherloc (09022015). Collection method: clinical testing. Allele origin: germline.
Comment: This sequence change replaces arginine, which is basic and polar, with glutamine, which is neutral and polar, at codon 1874 of the SCN1A protein (p.Arg1874Gln). This variant is not present in population databases (gnomAD no frequency). This missense change has been observed in individuals with clinical features of SCN1A-related conditions (PMID: 32276107; internal data). This variant has been also described in reportedly unaffected individuals (internal data). ClinVar contains an entry for this variant (Variation ID: 408927). Invitae Evidence Modeling of protein sequence and biophysical properties (such as structural, functional, and spatial information, amino acid conservation, physicochemical variation, residue mobility, and thermodynamic stability) indicates that this missense variant is expected to disrupt SCN1A protein function with a positive predictive value of 95%. Algorithms developed to predict the effect of sequence changes on RNA splicing suggest that this variant may create or strengthen a splice site. This variant disrupts the p.Arg1874 amino acid residue in SCN1A. Other variant(s) that disrupt this residue have been observed in individuals with SCN1A-related conditions (PMID: 31765958; internal data), which suggests that this may be a clinically significant amino acid residue. In summary, the currently available evidence indicates that the variant is pathogenic, but additional data are needed to prove that conclusively. Therefore, this variant has been classified as Likely Pathogenic.

GeneDx
Classification: Uncertain significance. Last evaluated: 2023-07-28. Review status: criteria provided, single submitter. Criteria: GeneDx Variant Classification Process June 2021. Collection method: clinical testing. Allele origin: germline. Affected: yes.
Comment: Previously reported in an individual with febrile seizures, however evidence in support of pathogenicity for this variant was not provided in the report (Shibata et al., 2020); In silico analysis supports that this missense variant has a deleterious effect on protein structure/function; Not observed at significant frequency in large population cohorts (gnomAD); Missense variants in this gene are often considered pathogenic (HGMD); This substitution is predicted to be within the C-terminal cytoplasmic domain.; This variant is associated with the following publications: (PMID: 32276107)

Literature cited by the submitters: PubMed 32276107 (cited by Ambry Genetics and Labcorp Genetics (formerly Invitae), Labcorp); PubMed 31765958 (cited by Labcorp Genetics (formerly Invitae), Labcorp).